The following is an entry in ClinVar:

NM_170784.3(MKKS):c.*46G>T

Gene: MKKS (MKKS centrosomal shuttling protein; minus strand). Cytogenetic location: 20p12.2.
Variant type: single nucleotide variant.
Coding change: c.*46G>T on transcript NM_170784.3 (MANE Select); 46 bases downstream of the stop codon, G replaced by T.
Molecular consequence: 3 prime UTR variant. On other transcripts: non-coding transcript variant (1).
Genome position (GRCh38, 1-based): chr20:10,405,201, C>A on the plus strand (G>T on the coding strand, the complement: MKKS is on the minus strand). VCF-style: chr20-10405201-C-A. GRCh37 (hg19) VCF-style: chr20-10385849-C-A.
Other names: c.*46G>T (NM_018848.3).
Identifiers: ClinVar variation 261058 (VCV000261058.7), dbSNP rs74703166, ClinGen allele CA9763428.

ClinVar aggregate classification (germline): Benign/Likely benign. Review status: criteria provided, multiple submitters, no conflicts (2 of 4 stars). 4 submissions from 3 submitters: Benign (3); Likely benign (1). Last evaluated 2021-01-20.

Conditions:
McKusick-Kaufman syndrome (MKKS). Also called: HYDROMETROCOLPOS SYNDROME; HYDROMETROCOLPOS, POSTAXIAL POLYDACTYLY, AND CONGENITAL HEART MALFORMATION. Identifiers: Orphanet 2473, MedGen C0948368, MONDO:0009367, OMIM 236700.
Bardet-Biedl syndrome 6 (BBS6). Identifiers: Orphanet 110, MedGen C1858054, MONDO:0011523, OMIM 605231.

Allele frequency attached by ClinVar (database versions not stated): gnomAD exomes 0.00203 and 0.00574; ExAC 0.01046; gnomAD 0.02278 and 0.02454; 1000 Genomes Project 0.02376; ESP Exome Variant Server 0.02555; TOPMed 0.02624; 1000 Genomes Project 30x 0.02639.
gnomAD v4.1: 6,246 of 1,479,124 alleles (0.42%); highest among the groups gnomAD compares: African/African-American, 7.9%; 219 homozygotes.

Submissions (4):

GeneDx
Classification: Benign. Last evaluated: 2021-01-20. Review status: criteria provided, single submitter. Criteria: GeneDx Variant Classification Process June 2021. Collection method: clinical testing. Allele origin: germline. Affected: yes.

Illumina Laboratory Services, Illumina
Classification: Benign for McKusick-Kaufman syndrome. Last evaluated: 2018-01-13. Review status: criteria provided, single submitter. Criteria: ICSL Variant Classification Criteria 13 December 2019. Collection method: clinical testing. Allele origin: germline.
Comment: This variant was observed in the ICSL laboratory as part of a predisposition screen in an ostensibly healthy population. It had not been previously curated by ICSL or reported in the Human Gene Mutation Database (HGMD: prior to June 1st, 2018), and was therefore a candidate for classification through an automated scoring system. Utilizing variant allele frequency, disease prevalence and penetrance estimates, and inheritance mode, an automated score was calculated to assess if this variant is too frequent to cause the disease. Based on the score and internal cut-off values, a variant classified as benign is not then subjected to further curation. The score for this variant resulted in a classification of benign for this disease.

Illumina Laboratory Services, Illumina
Classification: Benign for Bardet-Biedl syndrome 6. Last evaluated: 2018-01-13. Review status: criteria provided, single submitter. Criteria: ICSL Variant Classification Criteria 13 December 2019. Collection method: clinical testing. Allele origin: germline.
Comment: the same text as in the submission from Illumina Laboratory Services, Illumina above.

PreventionGenetics, part of Exact Sciences
Classification: Likely benign. Review status: criteria provided, single submitter. Criteria: ACMG Guidelines, 2015. Collection method: clinical testing. Allele origin: germline.